The following is an entry in ClinVar:

NM_001267550.2(TTN):c.31156G>A (p.Glu10386Lys)

Gene: TTN (titin; minus strand). Cytogenetic location: 2q31.2.
Variant type: single nucleotide variant.
Coding change: c.31156G>A on transcript NM_001267550.2 (MANE Select); coding-DNA position 31156, G replaced by A.
Protein change: p.Glu10386Lys; replaces glutamic acid 10386 with lysine.
Molecular consequence: missense variant. On other transcripts: intron variant (3).
Genome position (GRCh38, 1-based): chr2:178,695,916, C>T on the plus strand (G>A on the coding strand, the complement: TTN is on the minus strand). VCF-style: chr2-178695916-C-T. GRCh37 (hg19) VCF-style: chr2-179560643-C-T.
Other names: c.30205G>A, p.Glu10069Lys (NM_001256850.1); c.27424G>A, p.Glu9142Lys (NM_133378.4); c.13282+42166G>A (NM_003319.4); c.13858+42166G>A (NM_133437.4); c.13657+42166G>A (NM_133432.3); short protein forms E10386K, E9142K, E10069K.
Identifiers: ClinVar variation 535267 (VCV000535267.25), dbSNP rs772195716, ClinGen allele CA1999021.

ClinVar aggregate classification (germline): Conflicting classifications of pathogenicity. Review status: criteria provided, conflicting classifications (1 of 4 stars). 13 submissions from 9 submitters: Uncertain significance (11); Likely benign (2). Last evaluated 2026-03-01.

Conditions:
TTN-related disorder. Also called: TTN-related disorders; TTN-related condition; TTN-related disease.
Early-onset myopathy with fatal cardiomyopathy (CMYO5). Also called: Salih Myopathy; CONGENITAL MYOPATHY 5 WITH CARDIOMYOPATHY. Identifiers: Orphanet 289377, MedGen C2673677, MONDO:0012714, OMIM 611705. Disease mechanism: loss of function.
Dilated cardiomyopathy 1G (CMD1G). Identifiers: Orphanet 154, MedGen C1858763, MONDO:0011400, OMIM 604145.
Autosomal recessive limb-girdle muscular dystrophy type 2J (LGMDR10). Also called: Limb-girdle muscular dystrophy, type 2J; MUSCULAR DYSTROPHY, LIMB-GIRDLE, AUTOSOMAL RECESSIVE 10. Identifiers: Orphanet 140922, MedGen C1837342, MONDO:0012127, OMIM 608807.
Myopathy, myofibrillar, 9, with early respiratory failure (MFM9). Also called: EDSTROM MYOPATHY; MYOPATHY, PROXIMAL, WITH EARLY RESPIRATORY MUSCLE INVOLVEMENT; Myopathy, distal, with early respiratory failure, autosomal dominant; Hereditary myopathy with early respiratory failure. Identifiers: Orphanet 178464, Orphanet 34521, MedGen C1863599, MONDO:0011362, OMIM 603689.
Tibial muscular dystrophy (TMD). Also called: UDD MYOPATHY; Tibial muscular dystrophy, tardive; Udd Distal Myopathy – Tibial Muscular Dystrophy. Identifiers: Orphanet 609, MedGen C1838244, MONDO:0010870, OMIM 600334.

Allele frequency attached by ClinVar (database versions not stated): TOPMed 0.00003; gnomAD 0.00004; gnomAD exomes 0.00007 and 0.00008; ExAC 0.00016.
gnomAD v4.1: 115 of 1,483,444 alleles (0.0078%); highest among the groups gnomAD compares: Non-Finnish European, 0.0097%; no homozygotes.

Submissions (13):

CeGaT Center for Human Genetics Tuebingen
Classification: Uncertain significance. Last evaluated: 2026-03-01. Review status: criteria provided, single submitter. Criteria: CeGaT Center For Human Genetics Tuebingen Variant Classification Criteria Version 2. Collection method: clinical testing. Allele origin: germline. Affected: yes. Observed: 1 variant allele.
Comment: TTN: PM2:Supporting, BP4

PreventionGenetics, part of Exact Sciences
Classification: Uncertain significance for TTN-related condition. Last evaluated: 2025-11-07. Review status: criteria provided, single submitter. Criteria: ACMG Guidelines, 2015. Collection method: clinical testing. Allele origin: germline.
Comment: The TTN c.31156G>A variant is predicted to result in the amino acid substitution p.Glu10386Lys. To our knowledge, this variant has not been reported in the literature. This variant is reported in 0.014% of alleles in individuals of European (Non-Finnish) descent in gnomAD. At this time, the clinical significance of this variant is uncertain due to the absence of conclusive functional and genetic evidence.

Molecular Diagnostic Laboratory for Inherited Cardiovascular Disease, Montreal Heart Institute
Classification: Likely benign. Last evaluated: 2025-04-09. Review status: criteria provided, single submitter. Criteria: ACMG Guidelines, 2015. Collection method: clinical testing. Allele origin: germline. Affected: no.

Women's Health and Genetics/Laboratory Corporation of America, LabCorp
Classification: Uncertain significance. Last evaluated: 2022-03-07. Review status: criteria provided, single submitter. Criteria: LabCorp Variant Classification Summary - May 2015. Collection method: clinical testing. Allele origin: germline.
Comment: Variant summary: TTN c.27424G>A (p.Glu9142Lys) results in a conservative amino acid change located in the I-band of the encoded protein sequence. Three of four in-silico tools predict a benign effect of the variant on protein function. The variant allele was found at a frequency of 6.8e-05 in 103098 control chromosomes. The available data on variant occurrences in the general population are insufficient to allow any conclusion about variant significance. To our knowledge, no occurrence of c.27424G>A in individuals affected with Dilated Cardiomyopathy and no experimental evidence demonstrating its impact on protein function have been reported. Four clinical diagnostic laboratories have submitted clinical-significance assessments for this variant to ClinVar after 2014 without evidence for independent evaluation (Likely benign n=1, VUS n=3). Based on the evidence outlined above, the variant was classified as uncertain significance.

Revvity Omics, Revvity
Classification: Uncertain significance. Last evaluated: 2021-02-05. Review status: criteria provided, single submitter. Criteria: ACMG Guidelines, 2015. Collection method: clinical testing. Allele origin: germline.

GeneDx
Classification: Likely benign. Last evaluated: 2018-04-05. Review status: criteria provided, single submitter. Criteria: GeneDx Variant Classification (06012015). Collection method: clinical testing. Allele origin: germline. Affected: yes.
Comment: This variant is considered likely benign or benign based on one or more of the following criteria: it is a conservative change, it occurs at a poorly conserved position in the protein, it is predicted to be benign by multiple in silico algorithms, and/or has population frequency not consistent with disease.

Illumina Laboratory Services, Illumina
Classification: Uncertain significance for Myopathy, myofibrillar, 9, with early respiratory failure. Last evaluated: 2018-01-13. Review status: criteria provided, single submitter. Criteria: ICSL Variant Classification Criteria 13 December 2019. Collection method: clinical testing. Allele origin: germline.

Illumina Laboratory Services, Illumina
Classification: Uncertain significance for Dilated cardiomyopathy 1G. Last evaluated: 2018-01-13. Review status: criteria provided, single submitter. Criteria: ICSL Variant Classification Criteria 13 December 2019. Collection method: clinical testing. Allele origin: germline.

Illumina Laboratory Services, Illumina
Classification: Uncertain significance for Tibial muscular dystrophy. Last evaluated: 2018-01-13. Review status: criteria provided, single submitter. Criteria: ICSL Variant Classification Criteria 13 December 2019. Collection method: clinical testing. Allele origin: germline.

Illumina Laboratory Services, Illumina
Classification: Uncertain significance for Early-onset myopathy with fatal cardiomyopathy. Last evaluated: 2018-01-13. Review status: criteria provided, single submitter. Criteria: ICSL Variant Classification Criteria 13 December 2019. Collection method: clinical testing. Allele origin: germline.

Illumina Laboratory Services, Illumina
Classification: Uncertain significance for Autosomal recessive limb-girdle muscular dystrophy type 2J. Last evaluated: 2018-01-13. Review status: criteria provided, single submitter. Criteria: ICSL Variant Classification Criteria 13 December 2019. Collection method: clinical testing. Allele origin: germline.

Labcorp Genetics (formerly Invitae), Labcorp
Classification: Uncertain significance for Dilated cardiomyopathy 1G; Autosomal recessive limb-girdle muscular dystrophy type 2J. Last evaluated: 2017-11-25. Review status: criteria provided, single submitter. Criteria: Invitae Variant Classification Sherloc (09022015). Collection method: clinical testing. Allele origin: germline.

ARUP Laboratories, Molecular Genetics and Genomics, ARUP Laboratories
Classification: Uncertain significance. Last evaluated: 2017-07-07. Review status: criteria provided, single submitter. Criteria: ARUP Molecular Germline Variant Investigation Process. Collection method: clinical testing. Allele origin: germline.
Comment: The p.Glu9142Lys variant (rs772195716) has not been reported in the medical literature, is not listed in gene-specific variant databases, nor has it been previously identified in our laboratory. It is listed in the Genome Aggregation Database (gnomAD) browser with an overall frequency of 0.007% (identified in 9 out of 129,008 chromosomes). The glutamic acid at codon 9142 is moderately conserved considering 10 species up to frog (Alamut software v2.9), and computational analyses return mixed results regarding the effect of this variant on TTN protein structure/function (SIFT: damaging, PolyPhen2: benign, and Mutation Taster: polymorphism). However, based on the available information, the clinical significance of the p.Glu9142Lys variant cannot be determined with certainty.